The following is an entry in ClinVar:

ClinVar aggregate classification (germline): Uncertain significance. Review status: criteria provided, multiple submitters, no conflicts (2 of 4 stars). 2 submissions from 2 submitters: Uncertain significance (2). Last evaluated 2024-12-30.

Conditions:
Hereditary cancer-predisposing syndrome. Also called: Neoplastic Syndromes, Hereditary; Tumor predisposition; Hereditary Cancer Syndrome; Hereditary neoplastic syndrome. Identifiers: Orphanet 140162, MedGen C0027672, MeSH D009386, MONDO:0015356.
Pheochromocytoma/paraganglioma syndrome 3. Also called: GLOMUS TUMORS, FAMILIAL, 3; Paragangliomas 3; SDHC-Related Hereditary Paraganglioma-Pheochromocytoma Syndrome (Paragangliomas 3); SDHC-Related Hereditary Paraganglioma-Pheochromocytoma Syndrome. Identifiers: Orphanet 29072, MedGen C1854336, MONDO:0011544, OMIM 605373.
Gastrointestinal stromal tumor. Also called: Gastrointestinal stromal tumor, somatic; Gastrointestinal stroma tumor. Identifiers: Orphanet 44890, MedGen C0238198, MeSH D046152, MONDO:0011719, OMIM 606764, HP:0100723.

Submissions (2):

Ambry Genetics
Classification: Uncertain significance for Hereditary cancer-predisposing syndrome. Last evaluated: 2024-12-30. Review status: criteria provided, single submitter. Criteria: Ambry Variant Classification Scheme 2023. Collection method: clinical testing. Allele origin: germline.
Comment: The p.V154L variant (also known as c.460G>C), located in coding exon 6 of the SDHC gene, results from a G to C substitution at nucleotide position 460. The valine at codon 154 is replaced by leucine, an amino acid with highly similar properties. This amino acid position is not well conserved in available vertebrate species. In addition, this alteration is predicted to be deleterious by in silico analysis. Based on the available evidence, the clinical significance of this variant remains unclear.

Labcorp Genetics (formerly Invitae), Labcorp
Classification: Uncertain significance for Pheochromocytoma/paraganglioma syndrome 3; Gastrointestinal stromal tumor. Last evaluated: 2022-10-20. Review status: criteria provided, single submitter. Criteria: Invitae Variant Classification Sherloc (09022015). Collection method: clinical testing. Allele origin: germline.
Comment: This sequence change replaces valine, which is neutral and non-polar, with leucine, which is neutral and non-polar, at codon 154 of the SDHC protein (p.Val154Leu). This variant is not present in population databases (gnomAD no frequency). In summary, the available evidence is currently insufficient to determine the role of this variant in disease. Therefore, it has been classified as a Variant of Uncertain Significance. Algorithms developed to predict the effect of missense changes on protein structure and function (SIFT, PolyPhen-2, Align-GVGD) all suggest that this variant is likely to be tolerated. This variant has not been reported in the literature in individuals affected with SDHC-related conditions.

NM_003001.5(SDHC):c.460G>C (p.Val154Leu)

Gene: SDHC (succinate dehydrogenase complex subunit C; plus strand). Cytogenetic location: 1q23.3.
Variant type: single nucleotide variant.
Coding change: c.460G>C on transcript NM_003001.5 (MANE Select); coding-DNA position 460, G replaced by C.
Protein change: p.Val154Leu; replaces valine 154 with leucine.
Molecular consequence: missense variant.
Genome position (GRCh38, 1-based): chr1:161,362,383, G>C. VCF-style: chr1-161362383-G-C. GRCh37 (hg19) VCF-style: chr1-161332173-G-C.
Other names: c.358G>C, p.Val120Leu (NM_001035512.3); c.301G>C, p.Val101Leu (NM_001035513.3); c.194G>C, p.Gly65Ala (NM_001278172.3); c.580G>C, p.Val194Leu (NM_001407115.1); c.403G>C, p.Val135Leu (NM_001407116.1); c.397G>C, p.Val133Leu (NM_001407117.1); c.352G>C, p.Val118Leu (NM_001407118.1); c.349G>C, p.Val117Leu (NM_001407119.1, NM_001407120.1); and 2 more; short protein forms V101L, V120L, V135L, V154L, G65A, G80A, V117L, V118L.
Identifiers: ClinVar variation 1741879 (VCV001741879.8), dbSNP rs1571899055, ClinGen allele CA343457801.